The following is an entry in ClinVar:

ClinVar aggregate classification (germline): Pathogenic (1 of 4 stars; one submission).

Submission:

Labcorp Genetics (formerly Invitae), Labcorp
Classification: Pathogenic. Last evaluated: 2025-10-29. Review status: criteria provided, single submitter. Criteria: Invitae Variant Classification Sherloc (09022015). Collection method: clinical testing. Allele origin: germline.
Comment: This sequence change creates a premature translational stop signal (p.Glu542*) in the CDH23 gene. It is expected to result in an absent or disrupted protein product. Loss-of-function variants in CDH23 are known to be pathogenic (PMID: 11138009, 21940737). This variant is not present in population databases (gnomAD no frequency). This premature translational stop signal has been observed in individual(s) with Usher syndrome (PMID: 31231422). For these reasons, this variant has been classified as Pathogenic.

Literature cited by the submitters: PubMed 11138009; PubMed 21940737; PubMed 31231422.

NM_022124.6(CDH23):c.1624G>T (p.Glu542Ter)

Gene: CDH23 (cadherin related 23; plus strand). Cytogenetic location: 10q22.1.
Variant type: single nucleotide variant.
Coding change: c.1624G>T on transcript NM_022124.6 (MANE Select); coding-DNA position 1624, G replaced by T.
Protein change: p.Glu542Ter; replaces glutamic acid 542 with a stop codon.
Molecular consequence: nonsense.
Genome position (GRCh38, 1-based): chr10:71,677,565, G>T. VCF-style: chr10-71677565-G-T. GRCh37 (hg19) VCF-style: chr10-73437322-G-T.
Other names: c.1624G>T, p.Glu542Ter (NM_001171930.2, NM_001171931.2); short protein forms E542*.
Identifiers: ClinVar variation 4750130 (VCV004750130.1).